The following is an entry in ClinVar:

NM_001128178.3(NPHP1):c.1441G>A (p.Val481Ile)

Gene: NPHP1 (nephrocystin 1; minus strand). Cytogenetic location: 2q13.
Variant type: single nucleotide variant.
Coding change: c.1441G>A on transcript NM_001128178.3 (MANE Select); coding-DNA position 1441, G replaced by A.
Protein change: p.Val481Ile; replaces valine 481 with isoleucine.
Molecular consequence: missense variant.
Genome position (GRCh38, 1-based): chr2:110,143,630, C>T on the plus strand (G>A on the coding strand, the complement: NPHP1 is on the minus strand). VCF-style: chr2-110143630-C-T. GRCh37 (hg19) VCF-style: chr2-110901207-C-T.
Other names: c.1609G>A, p.Val537Ile (NM_000272.5); c.1252G>A, p.Val418Ile (NM_001128179.3); c.1438G>A, p.Val480Ile (NM_001374256.1); c.1441G>A, p.Val481Ile (NM_001374257.1); c.1606G>A, p.Val536Ile (NM_207181.4); short protein forms V418I, V481I, V537I, V480I, V536I.
Identifiers: ClinVar variation 2063131 (VCV002063131.1), dbSNP rs1470102331, ClinGen allele CA348087386.

ClinVar aggregate classification (germline): Uncertain significance (1 of 4 stars; one submission).

Conditions:
Nephronophthisis. Also called: Juvenile Nephronophthisis. Identifiers: Orphanet 655, MedGen C0687120, MONDO:0019005, HP:0000090.

Allele frequency attached by ClinVar (database versions not stated): gnomAD exomes below 0.00001.

Submission:

Labcorp Genetics (formerly Invitae), Labcorp
Classification: Uncertain significance for Nephronophthisis. Last evaluated: 2022-05-05. Review status: criteria provided, single submitter. Criteria: Invitae Variant Classification Sherloc (09022015). Collection method: clinical testing. Allele origin: germline.
Comment: This sequence change replaces valine, which is neutral and non-polar, with isoleucine, which is neutral and non-polar, at codon 537 of the NPHP1 protein (p.Val537Ile). This variant is present in population databases (no rsID available, gnomAD no frequency). This variant has not been reported in the literature in individuals affected with NPHP1-related conditions. Algorithms developed to predict the effect of missense changes on protein structure and function output the following: SIFT: "Tolerated"; PolyPhen-2: "Benign"; Align-GVGD: "Class C0". The isoleucine amino acid residue is found in multiple mammalian species, which suggests that this missense change does not adversely affect protein function. In summary, the available evidence is currently insufficient to determine the role of this variant in disease. Therefore, it has been classified as a Variant of Uncertain Significance.